The following is an entry in ClinVar:

ClinVar aggregate classification (germline): Uncertain significance (1 of 4 stars; one submission).

Conditions:
Alstrom syndrome (ALMS). Identifiers: Orphanet 64, MedGen C0268425, MONDO:0008763, OMIM 203800.

Allele frequency attached by ClinVar (database versions not stated): TOPMed below 0.00001; gnomAD 0.00001.

Submission:

Labcorp Genetics (formerly Invitae), Labcorp
Classification: Uncertain significance for Alstrom syndrome. Last evaluated: 2022-06-07. Review status: criteria provided, single submitter. Criteria: Invitae Variant Classification Sherloc (09022015). Collection method: clinical testing. Allele origin: germline.
Comment: This sequence change replaces serine, which is neutral and polar, with phenylalanine, which is neutral and non-polar, at codon 622 of the ALMS1 protein (p.Ser622Phe). This variant is not present in population databases (gnomAD no frequency). This variant has not been reported in the literature in individuals affected with ALMS1-related conditions. Experimental studies and prediction algorithms are not available or were not evaluated, and the functional significance of this variant is currently unknown. In summary, the available evidence is currently insufficient to determine the role of this variant in disease. Therefore, it has been classified as a Variant of Uncertain Significance.

NM_001378454.1(ALMS1):c.1862C>T (p.Ser621Phe)

Gene: ALMS1 (ALMS1 centrosome and basal body associated protein; plus strand). Cytogenetic location: 2p13.1.
Variant type: single nucleotide variant.
Coding change: c.1862C>T on transcript NM_001378454.1 (MANE Select); coding-DNA position 1862, C replaced by T.
Protein change: p.Ser621Phe; replaces serine 621 with phenylalanine.
Molecular consequence: missense variant.
Genome position (GRCh38, 1-based): chr2:73,448,389, C>T. VCF-style: chr2-73448389-C-T. GRCh37 (hg19) VCF-style: chr2-73675516-C-T.
Other names: c.1865C>T, p.Ser622Phe (NM_015120.4); short protein forms S622F, S621F.
Identifiers: ClinVar variation 2045905 (VCV002045905.4), dbSNP rs767763496, ClinGen allele CA50391185.
Genomic context (GRCh38, chr2:73,448,389, plus strand): 5'-TTTCAGCTGCTCCTGGACTAGCTGACCAGACAACTGGCATGTCAACTCTAACCTCTACTT[C>T]CTACTCACATAGAGAGAAGCCTGGTACTTTTTACCAACAAGAGTTACCAGAGAGTAACTT-3'
Protein context (NP_001365383.1, residues 611-631): TTGMSTLTST[Ser621Phe]YSHREKPGTF